The following is an entry in ClinVar:

ClinVar aggregate classification (germline): Uncertain significance (1 of 4 stars; one submission).

Conditions:
2-aminoadipic 2-oxoadipic aciduria (AAKAD). Also called: Aminoadipic aciduria; ALPHA-AMINOADIPIC AND ALPHA-KETOADIPIC ACIDURIA. Identifiers: Orphanet 79154, MedGen C1859817, MONDO:0008774, OMIM 204750.

Submission:

Labcorp Genetics (formerly Invitae), Labcorp
Classification: Uncertain significance for 2-aminoadipic 2-oxoadipic aciduria. Last evaluated: 2022-11-29. Review status: criteria provided, single submitter. Criteria: Invitae Variant Classification Sherloc (09022015). Collection method: clinical testing. Allele origin: germline.
Comment: In summary, the available evidence is currently insufficient to determine the role of this variant in disease. Therefore, it has been classified as a Variant of Uncertain Significance. This variant has not been reported in the literature in individuals affected with DHTKD1-related conditions. This variant results in a copy number gain of the genomic region encompassing exon(s) 1 of the DHTKD1 gene. This region includes the initiator codon of the gene. This copy number gain extends beyond the assayed region for this gene and therefore may encompass additional genes. As the precise location of this event is unknown, it may be in tandem or it may be located elsewhere in the genome.

NC_000010.10:g.(?_12111033)_(12111206_?)dup

Gene: DHTKD1 (dehydrogenase E1 and transketolase domain containing 1; plus strand). Cytogenetic location: 10p14.
Variant type: Duplication.
Identifiers: ClinVar variation 2426492 (VCV002426492.6).